The following is an entry in ClinVar:

ClinVar aggregate classification (germline): Uncertain significance (1 of 4 stars; one submission).

Conditions:
Catecholaminergic polymorphic ventricular tachycardia 1. Also called: VENTRICULAR TACHYCARDIA, CATECHOLAMINERGIC POLYMORPHIC, 1, WITH OR WITHOUT ATRIAL DYSFUNCTION AND/OR DILATED CARDIOMYOPATHY; RYR2-Related Catecholaminergic Polymorphic Ventricular Tachycardia; VENTRICULAR TACHYCARDIA, STRESS-INDUCED POLYMORPHIC 1. Identifiers: Orphanet 3286, MedGen C1631597, MONDO:0011484, OMIM 604772.

Allele frequency attached by ClinVar (database versions not stated): gnomAD exomes below 0.00001.
gnomAD v4.1: 1 of 1,613,880 alleles (0.000062%); highest among the groups gnomAD compares: Non-Finnish European, 0.000085%; no homozygotes.

Submission:

Labcorp Genetics (formerly Invitae), Labcorp
Classification: Uncertain significance for Catecholaminergic polymorphic ventricular tachycardia 1. Last evaluated: 2016-09-09. Review status: criteria provided, single submitter. Criteria: Invitae Variant Classification Sherloc (09022015). Collection method: clinical testing. Allele origin: germline.
Comment: This variant occurs within one of the three regions of the RYR2 gene (N-terminal domain, central domain, or channel region) where other pathogenic variants have been reported to cluster (PMID: 19926015) In summary, this variant is a novel missense change with uncertain impact on protein function. It has been classified as a Variant of Uncertain Significance. Algorithms developed to predict the effect of missense changes on protein structure and function do not agree on the potential impact of this missense change (SIFT: "Deleterious"; PolyPhen-2: "Probably Damaging"; Align-GVGD: "Class C15"). This variant is not present in population databases (ExAC no frequency) and has not been reported in the literature in individuals with a RYR2-related disease. This sequence change replaces leucine with phenylalanine at codon 2123 of the RYR2 protein (p.Leu2123Phe). The leucine residue is highly conserved and there is a small physicochemical difference between leucine and phenylalanine.

Literature cited by the submitters: PubMed 19926015.

NM_001035.3(RYR2):c.6367C>T (p.Leu2123Phe)

Gene: RYR2 (ryanodine receptor 2; plus strand). Cytogenetic location: 1q43.
Variant type: single nucleotide variant.
Coding change: c.6367C>T on transcript NM_001035.3 (MANE Select); coding-DNA position 6367, C replaced by T.
Protein change: p.Leu2123Phe; replaces leucine 2123 with phenylalanine.
Molecular consequence: missense variant.
Genome position (GRCh38, 1-based): chr1:237,628,007, C>T. VCF-style: chr1-237628007-C-T. GRCh37 (hg19) VCF-style: chr1-237791307-C-T.
Other names: c.6367C>T, p.Leu2123Phe (LRG_402t1); short protein forms L2123F.
Identifiers: ClinVar variation 404221 (VCV000404221.8), dbSNP rs1060500159, ClinGen allele CA16610076.
Genomic context (GRCh38, chr1:237,628,007, plus strand): 5'-CCAAAGACCTACACGATAAATGGTGTGTCCGTGGAGGACACCATCAACCTGCTGGCATCC[C>T]TTGGTCAGATTCGGTCCCTGCTGAGTGTGAGAATGGGCAAAGAAGAAGAGAAGCTCATGA-3'
Protein context (NP_001026.2, residues 2113-2133): VEDTINLLAS[Leu2123Phe]GQIRSLLSVR